The following is an entry in ClinVar:

ClinVar aggregate classification (germline): Uncertain significance. Review status: criteria provided, multiple submitters, no conflicts (2 of 4 stars). 3 submissions from 3 submitters: Uncertain significance (3). Last evaluated 2024-03-01.

Allele frequency attached by ClinVar (database versions not stated): ExAC 0.00001; gnomAD 0.00001; TOPMed 0.00002; ESP Exome Variant Server 0.00008.
gnomAD v4.1: 23 of 1,614,046 alleles (0.0014%); highest among the groups gnomAD compares: Non-Finnish European, 0.0018%; no homozygotes.

Submissions (3):

Blueprint Genetics
Classification: Uncertain significance. Last evaluated: 2024-03-01. Review status: criteria provided, single submitter. Criteria: ACMG Guidelines, 2015. Collection method: clinical testing. Allele origin: germline.

Ambry Genetics
Classification: Uncertain significance. Last evaluated: 2023-12-07. Review status: criteria provided, single submitter. Criteria: Ambry Variant Classification Scheme 2023. Collection method: clinical testing. Allele origin: germline.

Labcorp Genetics (formerly Invitae), Labcorp
Classification: Uncertain significance. Last evaluated: 2022-09-25. Review status: criteria provided, single submitter. Criteria: Invitae Variant Classification Sherloc (09022015). Collection method: clinical testing. Allele origin: germline.
Comment: This sequence change replaces glycine, which is neutral and non-polar, with alanine, which is neutral and non-polar, at codon 38 of the SLC7A14 protein (p.Gly38Ala). This variant is present in population databases (rs138031691, gnomAD 0.0009%). This variant has not been reported in the literature in individuals affected with SLC7A14-related conditions. ClinVar contains an entry for this variant (Variation ID: 1026531). Algorithms developed to predict the effect of missense changes on protein structure and function are either unavailable or do not agree on the potential impact of this missense change (SIFT: "Deleterious"; PolyPhen-2: "Benign"; Align-GVGD: "Class C0"). In summary, the available evidence is currently insufficient to determine the role of this variant in disease. Therefore, it has been classified as a Variant of Uncertain Significance.

NM_020949.3(SLC7A14):c.113G>C (p.Gly38Ala)

Genes: SLC7A14 (solute carrier family 7 member 14; minus strand), SLC7A14-AS1 (SLC7A14 antisense RNA 1; plus strand). Cytogenetic location: 3q26.2.
Variant type: single nucleotide variant.
Coding change: c.113G>C on transcript NM_020949.3 (MANE Select); coding-DNA position 113, G replaced by C.
Protein change: p.Gly38Ala; replaces glycine 38 with alanine.
Molecular consequence: missense variant.
Genome position (GRCh38, 1-based): chr3:170,526,824, C>G on the plus strand (G>C on the coding strand, the complement: SLC7A14 is on the minus strand). VCF-style: chr3-170526824-C-G. GRCh37 (hg19) VCF-style: chr3-170244613-C-G.
Other names: c.113G>C (NM_020949.2); short protein forms G38A.
Identifiers: ClinVar variation 1026531 (VCV001026531.7), dbSNP rs138031691, ClinGen allele CA2702010.
Genomic context (GRCh38, chr3:170,526,824, plus strand): 5'-AGGTCCACTGTGGTGAGTACCTGGGCTAGCTTAGTTCCATGTGCCGTGGTGGTCCCAGTT[C>G]CCTCTAGCATGGACTCCACTGGTTTGGTGCGTAGGATCCTGGAGTGCATTGCATACCAGG-3'
Protein context (NP_066000.2, residues 28-48): RTKPVESMLE[Gly38Ala]TGTTTAHGTK